The following is an entry in ClinVar:

NM_016188.5(ACTL6B):c.388C>T (p.Arg130Trp)

Gene: ACTL6B (actin like 6B; minus strand). Cytogenetic location: 7q22.1.
Variant type: single nucleotide variant.
Coding change: c.388C>T on transcript NM_016188.5 (MANE Select); coding-DNA position 388, C replaced by T.
Protein change: p.Arg130Trp; replaces arginine 130 with tryptophan.
Molecular consequence: missense variant. On other transcripts: non-coding transcript variant (1).
Genome position (GRCh38, 1-based): chr7:100,650,117, G>A on the plus strand (C>T on the coding strand, the complement: ACTL6B is on the minus strand). VCF-style: chr7-100650117-G-A. GRCh37 (hg19) VCF-style: chr7-100247740-G-A.
Other names: short protein forms R130W.
Identifiers: ClinVar variation 1335956 (VCV001335956.4), dbSNP rs779321230, ClinGen allele CA4387273.

ClinVar aggregate classification (germline): Likely pathogenic (1 of 4 stars; one submission).

Allele frequency attached by ClinVar (database versions not stated): ExAC 0.00001; gnomAD 0.00001; gnomAD exomes below 0.00001.

Submission:

Genetic Services Laboratory, University of Chicago
Classification: Likely pathogenic. Last evaluated: 2021-05-07. Review status: criteria provided, single submitter. Criteria: ACMG Guidelines, 2015. Collection method: clinical testing. Allele origin: germline. Affected: yes.
Comment: DNA sequence analysis of the ACTL6B gene demonstrated a sequence change, c.388C>T, in exon 5 that results in an amino acid change, p.Arg130Trp. This sequence change does not appear to have been described in the literature in other individuals with ACTL6B-related disorders, however, a different sequence change affecting the same amino acid residue (p.Arg130Gln) has been described in the compound heterozygous state in an individual with neurodevelopmental deficits and epilepsy (PMID: 31031012). The p.Arg130Trp change has been described in one south Asian individual in the gnomAD population database (dbSNP rs779321230). This sequence change affects a highly conserved amino acid residue located in a domain of the ACTL6B protein that is known to be functional. The p.Arg130Trp substitution appears to be deleterious using several in-silico pathogenicity prediction tools (SIFT, PolyPhen2, Align GVGD, REVEL). Collectively these evidences suggest p.Arg130Trp is likely pathogenic, however, functional studies have not been performed to prove this conclusively.